The following is an entry in ClinVar:

NM_001715.3(BLK):c.1025C>T (p.Ala342Val)

Genes: BLK (BLK proto-oncogene, Src family tyrosine kinase), BLK-AS1 (BLK antisense RNA 1). Cytogenetic location: 8p23.1.
Variant type: single nucleotide variant.
Coding change: c.1025C>T on transcript NM_001715.3 (MANE Select); coding-DNA position 1025, C replaced by T.
Protein change: p.Ala342Val; replaces alanine 342 with valine.
Molecular consequence: missense variant.
Genome position (GRCh38, 1-based): chr8:11,558,034, C>T. VCF-style: chr8-11558034-C-T. GRCh37 (hg19) VCF-style: chr8-11415543-C-T.
Other names: c.812C>T, p.Ala271Val (NM_001330465.2); short protein forms A342V, A271V.
Identifiers: ClinVar variation 2725033 (VCV002725033.3), dbSNP rs754095293, ClinGen allele CA4630216.
Genomic context (GRCh38, chr8:11,558,034, plus strand): 5'-ATTTCCTGAAGACAGATGAAGGGAGCAGATTGTCACTCCCAAGGCTGATTGACATGTCGG[C>T]GCAGGTTGGTGAAGTACCAGGTGCAGAGAAAGGGCGGCATGTGCCACCTGCTGCCCACAA-3'
Protein context (NP_001706.2, residues 332-352): LSLPRLIDMS[Ala342Val]QIAEGMAYIE

ClinVar aggregate classification (germline): Uncertain significance (1 of 4 stars; one submission).

Allele frequency attached by ClinVar (database versions not stated): ExAC 0.00002.
gnomAD v4.1: 16 of 1,613,872 alleles (0.00099%); highest among the groups gnomAD compares: African/African-American, 0.0027%; no homozygotes.

Submission:

Labcorp Genetics (formerly Invitae), Labcorp
Classification: Uncertain significance. Last evaluated: 2023-04-18. Review status: criteria provided, single submitter. Criteria: Invitae Variant Classification Sherloc (09022015). Collection method: clinical testing. Allele origin: germline.
Comment: In summary, the available evidence is currently insufficient to determine the role of this variant in disease. Therefore, it has been classified as a Variant of Uncertain Significance. An algorithm developed to predict the effect of missense changes on protein structure and function (PolyPhen-2) suggests that this variant is likely to be disruptive. This variant has not been reported in the literature in individuals affected with BLK-related conditions. This variant is present in population databases (rs754095293, gnomAD 0.003%). This sequence change replaces alanine, which is neutral and non-polar, with valine, which is neutral and non-polar, at codon 342 of the BLK protein (p.Ala342Val).